The following is an entry in ClinVar:

NM_006662.3(SRCAP):c.1839_1841del (p.Leu614del)

Gene: SRCAP (Snf2 related CREBBP activator protein; plus strand). Cytogenetic location: 16p11.2.
Variant type: Deletion.
Coding change: c.1839_1841del on transcript NM_006662.3 (MANE Select); coding-DNA positions 1839 to 1841, 3 bases deleted (TCT; older notation c.1839_1841delTCT).
Protein change: p.Leu614del; deletes leucine 614.
Molecular consequence: inframe deletion.
Genome position (GRCh38, 1-based): chr16:30,712,285-30,712,287, TCT deleted; deleting any 3 consecutive bases within chr16:30,712,283-30,712,287 gives the same sequence; the c. name uses the placement nearest the transcript's 3' end. VCF-style (leftmost placement, unchanged base first): chr16-30712282-GCTT-G. GRCh37 (hg19) VCF-style: chr16-30723603-GCTT-G.
Other names: short protein forms L614del.
Identifiers: ClinVar variation 2034307 (VCV002034307.4), dbSNP rs2506631027, ClinGen allele CA2580091486.
Genomic context (GRCh38, chr16:30,712,282, plus strand): 5'-CCTCATTTCCATTGTGTTACCTATATTTCCTCTCTGACAGGTAAAGACGCCCATTCCCCT[GCTT>G]CTGCGGGGCCAGCTCCGGGAGTACCAGCACATTGGGCTAGACTGGCTGGTTACCATGTAT-3'

ClinVar aggregate classification (germline): Uncertain significance (1 of 4 stars; one submission).

Submission:

Labcorp Genetics (formerly Invitae), Labcorp
Classification: Uncertain significance. Last evaluated: 2022-10-25. Review status: criteria provided, single submitter. Criteria: Invitae Variant Classification Sherloc (09022015). Collection method: clinical testing. Allele origin: germline.
Comment: In summary, the available evidence is currently insufficient to determine the role of this variant in disease. Therefore, it has been classified as a Variant of Uncertain Significance. This variant, c.1839_1841del, results in the deletion of 1 amino acid(s) of the SRCAP protein (p.Leu614del), but otherwise preserves the integrity of the reading frame. This variant is not present in population databases (gnomAD no frequency). This variant has not been reported in the literature in individuals affected with SRCAP-related conditions. Experimental studies and prediction algorithms are not available or were not evaluated, and the functional significance of this variant is currently unknown.